The following is an entry in ClinVar:

ClinVar aggregate classification (germline): Uncertain significance (1 of 4 stars; one submission).

Allele frequency attached by ClinVar (database versions not stated): gnomAD exomes below 0.00001; gnomAD 0.00001; TOPMed 0.00001.
gnomAD v4.1: 3 of 1,613,784 alleles (0.00019%); highest among the groups gnomAD compares: African/African-American, 0.004%; no homozygotes.

Submission:

Ambry Genetics
Classification: Uncertain significance. Last evaluated: 2021-09-07. Review status: criteria provided, single submitter. Criteria: Ambry Variant Classification Scheme 2023. Collection method: clinical testing. Allele origin: germline.
Comment: The p.H437Y variant (also known as c.1309C>T), located in coding exon 13 of the PRKDC gene, results from a C to T substitution at nucleotide position 1309. The histidine at codon 437 is replaced by tyrosine, an amino acid with similar properties. This amino acid position is conserved. In addition, this alteration is predicted to be tolerated by in silico analysis. Since supporting evidence is limited at this time, the clinical significance of this alteration remains unclear.

NM_006904.7(PRKDC):c.1309C>T (p.His437Tyr)

Gene: PRKDC (protein kinase, DNA-activated, catalytic subunit; minus strand). Cytogenetic location: 8q11.21.
Variant type: single nucleotide variant.
Coding change: c.1309C>T on transcript NM_006904.7 (MANE Select); coding-DNA position 1309, C replaced by T.
Protein change: p.His437Tyr; replaces histidine 437 with tyrosine.
Molecular consequence: missense variant.
Genome position (GRCh38, 1-based): chr8:47,935,870, G>A on the plus strand (C>T on the coding strand, the complement: PRKDC is on the minus strand). VCF-style: chr8-47935870-G-A. GRCh37 (hg19) VCF-style: chr8-48848430-G-A.
Other names: c.1309C>T, p.His437Tyr (NM_001081640.2); short protein forms H437Y.
Identifiers: ClinVar variation 1769594 (VCV001769594.2), dbSNP rs936408574, ClinGen allele CA176166414.
Genomic context (GRCh38, chr8:47,935,870, plus strand): 5'-ACACCAGCTGCATTTTTGGACTGTACTGTGGGAAACTGTCTATCTGCATCACCACGAGGT[G>A]CTCCAGAACTGGAGTATACACCTCAGGAACCTACCGGAAATAATCAGCAAACCGTGAGTT-3'
Protein context (NP_008835.5, residues 427-447): VPEVYTPVLE[His437Tyr]LVVMQIDSFP